The following is an entry in ClinVar:

ClinVar aggregate classification (germline): Uncertain significance. Review status: criteria provided, multiple submitters, no conflicts (2 of 4 stars). 2 submissions from 2 submitters: Uncertain significance (2). Last evaluated 2024-12-24.

gnomAD v4.1: 4 of 1,308,612 alleles (0.00031%); highest among the groups gnomAD compares: African/African-American, 0.0031%; no homozygotes.

Submissions (2):

Women's Health and Genetics/Laboratory Corporation of America, LabCorp
Classification: Uncertain significance. Last evaluated: 2024-12-24. Review status: criteria provided, single submitter. Criteria: LabCorp Variant Classification Summary - May 2015. Collection method: clinical testing. Allele origin: germline.
Comment: Variant summary: NOTCH3 c.4145C>T (p.Ser1382Leu) results in a non-conservative amino acid change in the encoded protein sequence. Four of five in-silico tools predict a benign effect of the variant on protein function. The frequency data for this variant in gnomAD is considered unreliable, as metrics indicate poor data quality at this position. To our knowledge, no occurrence of c.4145C>T in individuals affected with Cerebral arteriopathy, autosomal dominant, with subcortical infarcts and leukoencephalopathy, type 1 and no experimental evidence demonstrating its impact on protein function have been reported. No submitters have cited clinical-significance assessments for this variant to ClinVar. Based on the evidence outlined above, the variant was classified as uncertain significance.

Athena Diagnostics
Classification: Uncertain significance. Last evaluated: 2024-12-04. Review status: criteria provided, single submitter. Criteria: Athena Diagnostics Criteria. Collection method: clinical testing. Allele origin: unknown.
Comment: Available data are insufficient to determine the clinical significance of the variant at this time. The frequency of this variant in the general population is uninformative in assessment of its pathogenicity. Polyphen and MutationTaster predict this amino acid change may be benign.

NM_000435.3(NOTCH3):c.4145C>T (p.Ser1382Leu)

Genes: NOTCH3 (notch receptor 3; minus strand), LOC130063807 (ATAC-STARR-seq lymphoblastoid silent region 10267; plus strand). Cytogenetic location: 19p13.12.
Variant type: single nucleotide variant.
Coding change: c.4145C>T on transcript NM_000435.3 (MANE Select); coding-DNA position 4145, C replaced by T.
Protein change: p.Ser1382Leu; replaces serine 1382 with leucine.
Molecular consequence: missense variant.
Genome position (GRCh38, 1-based): chr19:15,177,783, G>A on the plus strand (C>T on the coding strand, the complement: NOTCH3 is on the minus strand). VCF-style: chr19-15177783-G-A. GRCh37 (hg19) VCF-style: chr19-15288594-G-A.
Other names: short protein forms S1382L.
Identifiers: ClinVar variation 3571879 (VCV003571879.3).